The following is an entry in ClinVar:

NM_005045.4(RELN):c.3872G>A (p.Arg1291Gln)

Gene: RELN (reelin; minus strand). Cytogenetic location: 7q22.1.
Variant type: single nucleotide variant.
Coding change: c.3872G>A on transcript NM_005045.4 (MANE Select); coding-DNA position 3872, G replaced by A.
Protein change: p.Arg1291Gln; replaces arginine 1291 with glutamine.
Molecular consequence: missense variant.
Genome position (GRCh38, 1-based): chr7:103,593,722, C>T on the plus strand (G>A on the coding strand, the complement: RELN is on the minus strand). VCF-style: chr7-103593722-C-T. GRCh37 (hg19) VCF-style: chr7-103234169-C-T.
Other names: c.3872G>A, p.Arg1291Gln (NM_173054.3); short protein forms R1291Q.
Identifiers: ClinVar variation 1016599 (VCV001016599.8), dbSNP rs774998117, ClinGen allele CA4421656.

ClinVar aggregate classification (germline): Uncertain significance (1 of 4 stars; one submission).

Conditions:
Familial temporal lobe epilepsy 7. Identifiers: Orphanet 101046, MedGen C4225327, MONDO:0014639, OMIM 616436.
Norman-Roberts syndrome (LIS2). Also called: Lissencephaly 2 (Norman-Roberts type). Identifiers: Orphanet 89844, MedGen C0796089, MONDO:0009760, OMIM 257320.

Allele frequency attached by ClinVar (database versions not stated): gnomAD exomes below 0.00001 and 0.00001; ExAC 0.00001; gnomAD 0.00001; TOPMed 0.00001.
gnomAD v4.1: 8 of 1,613,880 alleles (0.0005%); highest among the groups gnomAD compares: East Asian, 0.0067%; no homozygotes.

Submission:

Labcorp Genetics (formerly Invitae), Labcorp
Classification: Uncertain significance for Familial temporal lobe epilepsy 7; Norman-Roberts syndrome. Last evaluated: 2024-10-22. Review status: criteria provided, single submitter. Criteria: Invitae Variant Classification Sherloc (09022015). Collection method: clinical testing. Allele origin: germline.
Comment: This sequence change replaces arginine, which is basic and polar, with glutamine, which is neutral and polar, at codon 1291 of the RELN protein (p.Arg1291Gln). This variant is present in population databases (rs774998117, gnomAD 0.003%). This variant has not been reported in the literature in individuals affected with RELN-related conditions. ClinVar contains an entry for this variant (Variation ID: 1016599). Invitae Evidence Modeling of protein sequence and biophysical properties (such as structural, functional, and spatial information, amino acid conservation, physicochemical variation, residue mobility, and thermodynamic stability) indicates that this missense variant is not expected to disrupt RELN protein function with a negative predictive value of 80%. In summary, the available evidence is currently insufficient to determine the role of this variant in disease. Therefore, it has been classified as a Variant of Uncertain Significance.